The following is an entry in ClinVar:

NM_000053.4(ATP7B):c.1172del (p.Ser391fs)

Gene: ATP7B (ATPase copper transporting beta; minus strand). Cytogenetic location: 13q14.3.
Variant type: Deletion.
Coding change: c.1172del on transcript NM_000053.4 (MANE Select); coding-DNA position 1172, one base deleted (C; older notation c.1172delC).
Protein change: p.Ser391fs; shifts the reading frame from serine 391.
Molecular consequence: frameshift variant.
Genome position (GRCh38, 1-based): chr13:51,974,048, G deleted on the plus strand (C on the coding strand, the reverse complement: ATP7B is on the minus strand). VCF-style (leftmost placement, unchanged base first): chr13-51974047-CG-C. GRCh37 (hg19) VCF-style: chr13-52548183-CG-C.
Other names: c.1172del, p.Ser391fs (NM_001005918.3, NM_001330578.2, NM_001330579.2); c.839del, p.Ser280fs (NM_001243182.2); c.1172delC, p.Ser391Trpfs (NM_001406511.1, NM_001406512.1, NM_001406513.1 and 26 more transcripts); c.1076delC, p.Ser359Trpfs (NM_001406517.1, NM_001406518.1, NM_001406530.1 and 3 more transcripts); c.743delC, p.Ser248Trpfs (NM_001406539.1); short protein forms S391fs, S280fs.
Identifiers: ClinVar variation 2163518 (VCV002163518.4), dbSNP rs1951978776, ClinGen allele CA2091557059.

ClinVar aggregate classification (germline): Pathogenic/Likely pathogenic. Review status: criteria provided, multiple submitters, no conflicts (2 of 4 stars). 2 submissions from 2 submitters: Pathogenic (1); Likely pathogenic (1). Last evaluated 2022-06-16.

Conditions:
Wilson disease (WND). Also called: Wilson's disease. Identifiers: Orphanet 905, MedGen C0019202, MONDO:0010200, OMIM 277900. Disease mechanism: loss of function.

Allele frequency attached by ClinVar (database versions not stated): gnomAD exomes below 0.00001.

Submissions (2):

Labcorp Genetics (formerly Invitae), Labcorp
Classification: Pathogenic for Wilson disease. Last evaluated: 2022-06-16. Review status: criteria provided, single submitter. Criteria: Invitae Variant Classification Sherloc (09022015). Collection method: clinical testing. Allele origin: germline.
Comment: For these reasons, this variant has been classified as Pathogenic. This variant has not been reported in the literature in individuals affected with ATP7B-related conditions. This variant is not present in population databases (gnomAD no frequency). This sequence change creates a premature translational stop signal (p.Ser391Trpfs*17) in the ATP7B gene. It is expected to result in an absent or disrupted protein product. Loss-of-function variants in ATP7B are known to be pathogenic (PMID: 10441329, 16283883).

Neuberg Centre For Genomic Medicine, NCGM
Classification: Likely pathogenic for Wilson disease. Review status: criteria provided, single submitter. Criteria: ACMG Guidelines, 2015. Collection method: clinical testing. Allele origin: germline. Inheritance: Autosomal recessive inheritance. Affected: yes.
Comment: The frameshift variant c.1172del (p.Ser391TrpfsTer17) in ATP7B gene has not been reported previously as a pathogenic variant nor as a benign variant, to our knowledge. The p.Ser391TrpfsTer17 variant is novel (not in any individuals) in gnomAD Exomes and 1000 Genomes. This causes a frameshift starting with codon Serine 391, changes this amino acid to Tryptophan residue, and creates a premature Stop codon at position 17 of the new reading frame, denoted p.Ser391TrpfsTer17. For these reasons, this variant has been classified as Likely Pathogenic.

Literature cited by the submitters: PubMed 10441329 (cited by Labcorp Genetics (formerly Invitae), Labcorp); PubMed 16283883 (cited by Labcorp Genetics (formerly Invitae), Labcorp).